The following is an entry in ClinVar:

ClinVar aggregate classification (germline): Uncertain significance (1 of 4 stars; one submission).

Allele frequency attached by ClinVar (database versions not stated): gnomAD exomes below 0.00001; TOPMed below 0.00001.
gnomAD v4.1: 1 of 1,612,944 alleles (0.000062%); highest among the groups gnomAD compares: Non-Finnish European, 0.000085%; no homozygotes.

Submission:

Labcorp Genetics (formerly Invitae), Labcorp
Classification: Uncertain significance. Last evaluated: 2023-03-19. Review status: criteria provided, single submitter. Criteria: Invitae Variant Classification Sherloc (09022015). Collection method: clinical testing. Allele origin: germline.
Comment: This sequence change replaces isoleucine, which is neutral and non-polar, with valine, which is neutral and non-polar, at codon 1212 of the SORL1 protein (p.Ile1212Val). This variant is not present in population databases (gnomAD no frequency). This variant has not been reported in the literature in individuals affected with SORL1-related conditions. An algorithm developed to predict the effect of missense changes on protein structure and function (PolyPhen-2) suggests that this variant is likely to be tolerated. In summary, the available evidence is currently insufficient to determine the role of this variant in disease. Therefore, it has been classified as a Variant of Uncertain Significance.

NM_003105.6(SORL1):c.3634A>G (p.Ile1212Val)

Gene: SORL1 (sortilin related receptor 1; plus strand). Cytogenetic location: 11q24.1.
Variant type: single nucleotide variant.
Coding change: c.3634A>G on transcript NM_003105.6 (MANE Select); coding-DNA position 3634, A replaced by G.
Protein change: p.Ile1212Val; replaces isoleucine 1212 with valine.
Molecular consequence: missense variant.
Genome position (GRCh38, 1-based): chr11:121,583,511, A>G. VCF-style: chr11-121583511-A-G. GRCh37 (hg19) VCF-style: chr11-121454220-A-G.
Other names: short protein forms I1212V.
Identifiers: ClinVar variation 2897882 (VCV002897882.3), dbSNP rs1863044703, ClinGen allele CA383025737.
Genomic context (GRCh38, chr11:121,583,511, plus strand): 5'-GTTACAGCCATCTATCACACCTGTGAGGCCTCCAACTTCCAGTGCCGAAACGGGCACTGC[A>G]TCCCCCAGCGGTGGGCGTGTGACGGGGATACGGACTGCCAGGATGGTTCCGATGAGGATC-3'
Protein context (NP_003096.2, residues 1202-1222): SNFQCRNGHC[Ile1212Val]PQRWACDGDT